The following is an entry in ClinVar:

ClinVar aggregate classification (germline): Likely benign. Review status: criteria provided, multiple submitters, no conflicts (2 of 4 stars). 3 submissions from 3 submitters: Likely benign (3). Last evaluated 2023-10-06.

Allele frequency attached by ClinVar (database versions not stated): gnomAD 0.00002 and 0.00006; gnomAD exomes 0.00002 and 0.00004; ExAC 0.00003; TOPMed 0.00005.
gnomAD v4.1: 35 of 1,611,664 alleles (0.0022%); highest among the groups gnomAD compares: Admixed American, 0.018%; no homozygotes.

Submissions (3):

Blueprint Genetics
Classification: Likely benign. Last evaluated: 2023-10-06. Review status: criteria provided, single submitter. Criteria: ACMG Guidelines, 2015. Collection method: clinical testing. Allele origin: germline.

Labcorp Genetics (formerly Invitae), Labcorp
Classification: Likely benign. Last evaluated: 2023-06-20. Review status: criteria provided, single submitter. Criteria: Invitae Variant Classification Sherloc (09022015). Collection method: clinical testing. Allele origin: germline.

GeneDx
Classification: Likely benign. Last evaluated: 2017-09-25. Review status: criteria provided, single submitter. Criteria: GeneDx Variant Classification (06012015). Collection method: clinical testing. Allele origin: germline. Affected: yes.
Comment: This variant is considered likely benign or benign based on one or more of the following criteria: it is a conservative change, it occurs at a poorly conserved position in the protein, it is predicted to be benign by multiple in silico algorithms, and/or has population frequency not consistent with disease.

NM_002894.3(RBBP8):c.428+18A>C

Gene: RBBP8 (RB binding protein 8, endonuclease; plus strand). Cytogenetic location: 18q11.2.
Variant type: single nucleotide variant.
Coding change: c.428+18A>C on transcript NM_002894.3 (MANE Select); 18 bases into the intron after coding-DNA position 428, A replaced by C.
Molecular consequence: intron variant.
Genome position (GRCh38, 1-based): chr18:22,975,237, A>C. VCF-style: chr18-22975237-A-C. GRCh37 (hg19) VCF-style: chr18-20555200-A-C.
Other names: c.428+18A>C (NM_203292.2, NM_203291.2).
Identifiers: ClinVar variation 512215 (VCV000512215.9), dbSNP rs748397077, ClinGen allele CA8909811.